The following is an entry in ClinVar:

ClinVar aggregate classification (germline): Uncertain significance (1 of 4 stars; one submission).

Submission:

GeneDx
Classification: Uncertain significance. Last evaluated: 2019-06-10. Review status: criteria provided, single submitter. Criteria: GeneDx Variant Classification Process June 2021. Collection method: clinical testing. Allele origin: germline. Affected: yes.
Comment: Has not been previously published as pathogenic or benign to our knowledge; Not observed in large population cohorts (Lek et al., 2016); In silico analysis, which includes protein predictors and evolutionary conservation, supports that this variant does not alter protein structure/function

NM_001318852.2(MAPK8IP3):c.2972A>G (p.Lys991Arg)

Gene: MAPK8IP3 (mitogen-activated protein kinase 8 interacting protein 3; plus strand). Cytogenetic location: 16p13.3.
Variant type: single nucleotide variant.
Coding change: c.2972A>G on transcript NM_001318852.2 (MANE Select); coding-DNA position 2972, A replaced by G.
Protein change: p.Lys991Arg; replaces lysine 991 with arginine.
Molecular consequence: missense variant.
Genome position (GRCh38, 1-based): chr16:1,766,755, A>G. VCF-style: chr16-1766755-A-G. GRCh37 (hg19) VCF-style: chr16-1816756-A-G.
Other names: c.2951A>G, p.Lys984Arg (NM_001040439.2); c.2969A>G, p.Lys990Arg (NM_015133.5); short protein forms K984R, K990R, K991R.
Identifiers: ClinVar variation 1306240 (VCV001306240.2), dbSNP rs2141952599, ClinGen allele CA394236927.